The following is an entry in ClinVar:

ClinVar aggregate classification (germline): Uncertain significance (1 of 4 stars; one submission).

Submission:

CeGaT Center for Human Genetics Tuebingen
Classification: Uncertain significance. Last evaluated: 2023-07-01. Review status: criteria provided, single submitter. Criteria: CeGaT Center For Human Genetics Tuebingen Variant Classification Criteria Version 2. Collection method: clinical testing. Allele origin: germline. Affected: yes. Observed: 1 variant allele.
Comment: PKHD1L1: PM2, BP4

NM_177531.6(PKHD1L1):c.12701C>T (p.Ser4234Leu)

Gene: PKHD1L1 (PKHD1 like 1; plus strand). Cytogenetic location: 8q23.2.
Variant type: single nucleotide variant.
Coding change: c.12701C>T on transcript NM_177531.6 (MANE Select); coding-DNA position 12701, C replaced by T.
Protein change: p.Ser4234Leu; replaces serine 4234 with leucine.
Molecular consequence: missense variant.
Genome position (GRCh38, 1-based): chr8:109,527,000, C>T. VCF-style: chr8-109527000-C-T. GRCh37 (hg19) VCF-style: chr8-110539229-C-T.
Other names: short protein forms S4234L.
Identifiers: ClinVar variation 2658754 (VCV002658754.24), dbSNP rs1820851234, ClinGen allele CA372010720.